The following is an entry in ClinVar:

NM_005219.5(DIAPH1):c.3097G>A (p.Asp1033Asn)

Gene: DIAPH1 (diaphanous related formin 1; minus strand). Cytogenetic location: 5q31.3.
Variant type: single nucleotide variant.
Coding change: c.3097G>A on transcript NM_005219.5 (MANE Select); coding-DNA position 3097, G replaced by A.
Protein change: p.Asp1033Asn; replaces aspartic acid 1033 with asparagine.
Molecular consequence: missense variant.
Genome position (GRCh38, 1-based): chr5:141,528,504, C>T on the plus strand (G>A on the coding strand, the complement: DIAPH1 is on the minus strand). VCF-style: chr5-141528504-C-T. GRCh37 (hg19) VCF-style: chr5-140908071-C-T.
Other names: c.3070G>A, p.Asp1024Asn (NM_001079812.3); c.3097G>A, p.Asp1033Asn (NM_001314007.2); short protein forms D1033N, D1024N.
Identifiers: ClinVar variation 542359 (VCV000542359.9), dbSNP rs1303934222, ClinGen allele CA361583177.

ClinVar aggregate classification (germline): Uncertain significance. Review status: criteria provided, multiple submitters, no conflicts (2 of 4 stars). 3 submissions from 3 submitters: Uncertain significance (3). Last evaluated 2026-09-14.

Conditions:
DIAPH1-related disorder. Also called: DIAPH1-related condition.
Progressive microcephaly-seizures-cortical blindness-developmental delay syndrome. Also called: Seizures, cortical blindness, and microcephaly syndrome. Identifiers: Orphanet 477814, MedGen C5567650, MONDO:0014714, OMIM 616632.
Autosomal dominant nonsyndromic hearing loss 1. Also called: DEAFNESS, AUTOSOMAL DOMINANT 1, WITH OR WITHOUT THROMBOCYTOPENIA; KONIGSMARK SYNDROME. Identifiers: Orphanet 90635, MedGen C1852282, MONDO:0007424, OMIM 124900.

Allele frequency attached by ClinVar (database versions not stated): gnomAD 0.00002; gnomAD exomes 0.00002 and 0.00005; TOPMed 0.00003.

Submissions (3):

PreventionGenetics, part of Exact Sciences
Classification: Uncertain significance for DIAPH1-related condition. Last evaluated: 2026-09-14. Review status: criteria provided, single submitter. Criteria: ACMG Guidelines, 2015. Collection method: clinical testing. Allele origin: germline.
Comment: The DIAPH1 c.3097G>A variant is predicted to result in the amino acid substitution p.Asp1033Asn. To our knowledge, this variant has not been reported in the literature. This variant is reported in 0.0058% of alleles in individuals of Latino descent in gnomAD. At this time, the clinical significance of this variant is uncertain due to the absence of conclusive functional and genetic evidence.

Labcorp Genetics (formerly Invitae), Labcorp
Classification: Uncertain significance for Progressive microcephaly-seizures-cortical blindness-developmental delay syndrome; Autosomal dominant nonsyndromic hearing loss 1. Last evaluated: 2026-01-19. Review status: criteria provided, single submitter. Criteria: Invitae Variant Classification Sherloc (09022015). Collection method: clinical testing. Allele origin: germline.
Comment: This sequence change replaces aspartic acid, which is acidic and polar, with asparagine, which is neutral and polar, at codon 1033 of the DIAPH1 protein (p.Asp1033Asn). This variant is present in population databases (no rsID available, gnomAD 0.006%). This variant has not been reported in the literature in individuals affected with DIAPH1-related conditions. ClinVar contains an entry for this variant (Variation ID: 542359). An algorithm developed to predict the effect of missense changes on protein structure and function (PolyPhen-2) suggests that this variant is likely to be disruptive. In summary, the available evidence is currently insufficient to determine the role of this variant in disease. Therefore, it has been classified as a Variant of Uncertain Significance.

Women's Health and Genetics/Laboratory Corporation of America, LabCorp
Classification: Uncertain significance. Last evaluated: 2020-11-04. Review status: criteria provided, single submitter. Criteria: LabCorp Variant Classification Summary - May 2015. Collection method: clinical testing. Allele origin: germline.
Comment: Variant summary: DIAPH1 c.3097G>A (p.Asp1033Asn) results in a conservative amino acid change located in the FH2 (formin homology) domain (IPR015425) of the encoded protein sequence. Three of five in-silico tools predict a benign effect of the variant on protein function. The variant allele was found at a frequency of 2e-05 in 249432 control chromosomes (gnomAD). The available data on variant occurrences in the general population are insufficient to allow any conclusion about variant significance. To our knowledge, no occurrence of c.3097G>A in individuals affected with Seizures, Cortical Blindness, and Microcephaly Syndrome and no experimental evidence demonstrating its impact on protein function have been reported. One clinical diagnostic laboratory has submitted clinical-significance assessments for this variant to ClinVar after 2014 without evidence for independent evaluation, and classified the variant as uncertain significance. Based on the evidence outlined above, the variant was classified as uncertain significance.